The following is an entry in ClinVar:

NM_182961.4(SYNE1):c.7946G>C (p.Cys2649Ser)

Gene: SYNE1 (spectrin repeat containing nuclear envelope protein 1; minus strand). Cytogenetic location: 6q25.2.
Variant type: single nucleotide variant.
Coding change: c.7946G>C on transcript NM_182961.4 (MANE Select); coding-DNA position 7946, G replaced by C.
Protein change: p.Cys2649Ser; replaces cysteine 2649 with serine.
Molecular consequence: missense variant.
Genome position (GRCh38, 1-based): chr6:152,391,335, C>G on the plus strand (G>C on the coding strand, the complement: SYNE1 is on the minus strand). VCF-style: chr6-152391335-C-G. GRCh37 (hg19) VCF-style: chr6-152712470-C-G.
Other names: c.7967G>C, p.Cys2656Ser (NM_033071.5); short protein forms C2656S, C2649S.
Identifiers: ClinVar variation 2111788 (VCV002111788.4), dbSNP rs769480578, ClinGen allele CA366108748.

ClinVar aggregate classification (germline): Uncertain significance (1 of 4 stars; one submission).

Conditions:
Emery-Dreifuss muscular dystrophy 4, autosomal dominant (EDMD4). Also called: EMERY-DREIFUSS MUSCULAR DYSTROPHY 4 WITH VARIABLE FEATURES. Identifiers: Orphanet 261, MedGen C2751807, MONDO:0013071, OMIM 612998.
Autosomal recessive ataxia, Beauce type. Also called: SYNE1 Deficiency; Spinocerebellar ataxia, autosomal recessive 8; ATAXIA, RECESSIVE, OF BEAUCE; SYNE1-Related Autosomal Recessive Cerebellar Ataxia. Identifiers: Orphanet 88644, MedGen C1853116, MONDO:0012549, OMIM 610743.

gnomAD v4.1: 1 of 1,614,124 alleles (0.000062%); highest among the groups gnomAD compares: Non-Finnish European, 0.000085%; no homozygotes.

Submission:

Labcorp Genetics (formerly Invitae), Labcorp
Classification: Uncertain significance for Emery-Dreifuss muscular dystrophy 4, autosomal dominant; Autosomal recessive ataxia, Beauce type. Last evaluated: 2022-03-14. Review status: criteria provided, single submitter. Criteria: Invitae Variant Classification Sherloc (09022015). Collection method: clinical testing. Allele origin: germline.
Comment: In summary, the available evidence is currently insufficient to determine the role of this variant in disease. Therefore, it has been classified as a Variant of Uncertain Significance. Algorithms developed to predict the effect of missense changes on protein structure and function output the following: SIFT: "Tolerated"; PolyPhen-2: "Benign"; Align-GVGD: "Class C0". The serine amino acid residue is found in multiple mammalian species, which suggests that this missense change does not adversely affect protein function. This variant has not been reported in the literature in individuals affected with SYNE1-related conditions. This variant is not present in population databases (gnomAD no frequency). This sequence change replaces cysteine, which is neutral and slightly polar, with serine, which is neutral and polar, at codon 2656 of the SYNE1 protein (p.Cys2656Ser).